The following is an entry in ClinVar:

NM_013266.4(CTNNA3):c.579G>A (p.Gln193=)

Gene: CTNNA3 (catenin alpha 3; minus strand). Cytogenetic location: 10q21.3.
Variant type: single nucleotide variant.
Coding change: c.579G>A on transcript NM_013266.4 (MANE Select); coding-DNA position 579, G replaced by A.
Protein change: p.Gln193=; no amino-acid change (glutamine 193 retained).
Molecular consequence: synonymous variant.
Genome position (GRCh38, 1-based): chr10:67,521,842, C>T on the plus strand (G>A on the coding strand, the complement: CTNNA3 is on the minus strand). VCF-style: chr10-67521842-C-T. GRCh37 (hg19) VCF-style: chr10-69281600-C-T.
Other names: c.579G>A, p.Gln193= (NM_001127384.3); c.615G>A, p.Gln205= (NM_001291133.2).
Identifiers: ClinVar variation 2028791 (VCV002028791.4), dbSNP rs2492397942, ClinGen allele CA469968008.
Genomic context (GRCh38, chr10:67,521,842, plus strand): 5'-CAGGATGGCAGGAAGCCTAAAGTGTTCATCTCCTCCACCAAGGAGAGCTCTGACTCCTAC[C>T]TGCTGACGTTTGAAGGCTAAATAATCCAAATTTTCCAGCTCCTTCCCAAGCTTCTGGTAG-3'
Protein context (NP_037398.2, residues 183-203): NLDYLAFKRQ[Gln193=]DLKSPNQRDE

ClinVar aggregate classification (germline): Uncertain significance (1 of 4 stars; one submission).

Conditions:
Arrhythmogenic right ventricular dysplasia 13. Also called: ARRHYTHMOGENIC RIGHT VENTRICULAR CARDIOMYOPATHY 13; Arrhythmogenic right ventricular dysplasia, familial, 13. Identifiers: MedGen C3810138, MONDO:0000908, OMIM 615616.

Submission:

Labcorp Genetics (formerly Invitae), Labcorp
Classification: Uncertain significance for Arrhythmogenic right ventricular dysplasia 13. Last evaluated: 2024-10-29. Review status: criteria provided, single submitter. Criteria: Invitae Variant Classification Sherloc (09022015). Collection method: clinical testing. Allele origin: germline.
Comment: This sequence change affects codon 193 of the CTNNA3 mRNA. It is a 'silent' change, meaning that it does not change the encoded amino acid sequence of the CTNNA3 protein. This variant also falls at the last nucleotide of exon 5, which is part of the consensus splice site for this exon. This variant is not present in population databases (gnomAD no frequency). This variant has not been reported in the literature in individuals affected with CTNNA3-related conditions. ClinVar contains an entry for this variant (Variation ID: 2028791). Variants that disrupt the consensus splice site are a relatively common cause of aberrant splicing (PMID: 17576681, 9536098). Algorithms developed to predict the effect of sequence changes on RNA splicing suggest that this variant may disrupt the consensus splice site. In summary, the available evidence is currently insufficient to determine the role of this variant in disease. Therefore, it has been classified as a Variant of Uncertain Significance.

Literature cited by the submitters: PubMed 17576681; PubMed 9536098.